The following is an entry in ClinVar:

ClinVar aggregate classification (germline): Benign. Review status: criteria provided, multiple submitters, no conflicts (2 of 4 stars). 3 submissions from 3 submitters: Benign (2). 1 of the submissions does not count toward it. Last evaluated 2026-06-01.

Conditions:
AP2M1-related disorder. Also called: AP2M1-related condition.

Allele frequency attached by ClinVar (database versions not stated): 1000 Genomes Project 30x 0.00094; 1000 Genomes Project 0.00100; ESP Exome Variant Server 0.00201; gnomAD 0.00202 and 0.00230; ExAC 0.00235; gnomAD exomes 0.00237 and 0.00375; TOPMed 0.00264.

Submissions (3):

CeGaT Center for Human Genetics Tuebingen
Classification: Benign. Last evaluated: 2026-06-01. Review status: criteria provided, single submitter. Criteria: CeGaT Center For Human Genetics Tuebingen Variant Classification Criteria Version 2. Collection method: clinical testing. Allele origin: germline. Affected: yes. Observed: 35 variant alleles.
Comment: AP2M1: BP4, BS1, BS2

Labcorp Genetics (formerly Invitae), Labcorp
Classification: Benign. Last evaluated: 2026-01-28. Review status: criteria provided, single submitter. Criteria: Invitae Variant Classification Sherloc (09022015). Collection method: clinical testing. Allele origin: germline.

PreventionGenetics, part of Exact Sciences
Classification: Likely benign for AP2M1-related condition. Last evaluated: 2019-11-22. Review status: no assertion criteria provided. Collection method: clinical testing. Allele origin: germline. Not counted in ClinVar's aggregate classification.
Comment: This variant is classified as likely benign based on ACMG/AMP sequence variant interpretation guidelines (Richards et al. 2015 PMID: 25741868, with internal and published modifications).

NM_004068.4(AP2M1):c.423+7G>A

Gene: AP2M1 (adaptor related protein complex 2 subunit mu 1; plus strand). Cytogenetic location: 3q27.1.
Variant type: single nucleotide variant.
Coding change: c.423+7G>A on transcript NM_004068.4 (MANE Select); 7 bases into the intron after coding-DNA position 423, G replaced by A.
Molecular consequence: intron variant.
Genome position (GRCh38, 1-based): chr3:184,180,258, G>A. VCF-style: chr3-184180258-G-A. GRCh37 (hg19) VCF-style: chr3-183898046-G-A.
Other names: c.498+7G>A (NM_001311198.2); c.423+7G>A (NM_001025205.2).
Identifiers: ClinVar variation 718412 (VCV000718412.38), dbSNP rs115561047, ClinGen allele CA2727702.